The following is an entry in ClinVar:

NM_182914.3(SYNE2):c.14518T>C (p.Trp4840Arg)

Gene: SYNE2 (spectrin repeat containing nuclear envelope protein 2; plus strand). Cytogenetic location: 14q23.2.
Variant type: single nucleotide variant.
Coding change: c.14518T>C on transcript NM_182914.3 (MANE Select); coding-DNA position 14518, T replaced by C.
Protein change: p.Trp4840Arg; replaces tryptophan 4840 with arginine.
Molecular consequence: missense variant.
Genome position (GRCh38, 1-based): chr14:64,134,072, T>C. VCF-style: chr14-64134072-T-C. GRCh37 (hg19) VCF-style: chr14-64600790-T-C.
Other names: c.14518T>C, p.Trp4840Arg (NM_015180.6); short protein forms W4840R.
Identifiers: ClinVar variation 569670 (VCV000569670.14), dbSNP rs148323208, ClinGen allele CA7222811.

ClinVar aggregate classification (germline): Conflicting classifications of pathogenicity. Review status: criteria provided, conflicting classifications (1 of 4 stars). 3 submissions from 3 submitters: Uncertain significance (2); Benign (1). Last evaluated 2026-04-15.

Conditions:
Emery-Dreifuss muscular dystrophy 5, autosomal dominant (EDMD5). Also called: EMERY-DREIFUSS MUSCULAR DYSTROPHY 5. Identifiers: Orphanet 261, MedGen C2751805, MONDO:0013072, OMIM 612999.

Allele frequency attached by ClinVar (database versions not stated): gnomAD exomes 0.00003 and 0.00007; ExAC 0.00006; ESP Exome Variant Server 0.00008; gnomAD 0.00012 and 0.00014; TOPMed 0.00012; 1000 Genomes Project 30x 0.00078; 1000 Genomes Project 0.00080.
gnomAD v4.1: 79 of 1,614,030 alleles (0.0049%); highest among the groups gnomAD compares: Middle Eastern, 0.05%; no homozygotes.

Submissions (3):

Women's Health and Genetics/Laboratory Corporation of America, LabCorp
Classification: Uncertain significance. Last evaluated: 2026-04-15. Review status: criteria provided, single submitter. Criteria: LabCorp Variant Classification Summary - May 2015. Collection method: clinical testing. Allele origin: germline.
Comment: Variant summary: SYNE2 c.14518T>C (p.Trp4840Arg) results in a non-conservative amino acid change in the encoded protein sequence. Algorithms developed to predict the effect of missense changes on protein structure and function are either unavailable or do not agree on the potential impact of this missense change. The variant allele was found at a frequency of 6.8e-05 in 251238 control chromosomes. This frequency is not significantly higher than estimated for disease-causing variants in SYNE2, allowing no conclusion about variant significance. To our knowledge, no occurrence of c.14518T>C in individuals affected with SYNE2-related conditions and no experimental evidence demonstrating its impact on protein function have been reported. ClinVar contains an entry for this variant (Variation ID: 569670). Based on the evidence outlined above, the variant was classified as uncertain significance.

Labcorp Genetics (formerly Invitae), Labcorp
Classification: Uncertain significance for Emery-Dreifuss muscular dystrophy 5, autosomal dominant. Last evaluated: 2025-02-17. Review status: criteria provided, single submitter. Criteria: Invitae Variant Classification Sherloc (09022015). Collection method: clinical testing. Allele origin: germline.
Comment: This sequence change replaces tryptophan, which is neutral and slightly polar, with arginine, which is basic and polar, at codon 4840 of the SYNE2 protein (p.Trp4840Arg). This variant is present in population databases (rs148323208, gnomAD 0.06%), and has an allele count higher than expected for a pathogenic variant. This variant has not been reported in the literature in individuals affected with SYNE2-related conditions. ClinVar contains an entry for this variant (Variation ID: 569670). An algorithm developed to predict the effect of missense changes on protein structure and function (PolyPhen-2) suggests that this variant is likely to be disruptive. In summary, the available evidence is currently insufficient to determine the role of this variant in disease. Therefore, it has been classified as a Variant of Uncertain Significance.

Illumina Laboratory Services, Illumina
Classification: Benign for Emery-Dreifuss muscular dystrophy 5, autosomal dominant. Last evaluated: 2018-01-12. Review status: criteria provided, single submitter. Criteria: ICSL Variant Classification Criteria 13 December 2019. Collection method: clinical testing. Allele origin: germline.
Comment: This variant was observed in the ICSL laboratory as part of a predisposition screen in an ostensibly healthy population. It had not been previously curated by ICSL or reported in the Human Gene Mutation Database (HGMD: prior to June 1st, 2018), and was therefore a candidate for classification through an automated scoring system. Utilizing variant allele frequency, disease prevalence and penetrance estimates, and inheritance mode, an automated score was calculated to assess if this variant is too frequent to cause the disease. Based on the score and internal cut-off values, a variant classified as benign is not then subjected to further curation. The score for this variant resulted in a classification of benign for this disease.